The following is an entry in ClinVar:

NM_001378120.1(MBD5):c.1115A>G (p.Asn372Ser)

Gene: MBD5 (methyl-CpG binding domain protein 5; plus strand). Cytogenetic location: 2q23.1.
Variant type: single nucleotide variant.
Coding change: c.1115A>G on transcript NM_001378120.1 (MANE Select); coding-DNA position 1115, A replaced by G.
Protein change: p.Asn372Ser; replaces asparagine 372 with serine.
Molecular consequence: missense variant.
Genome position (GRCh38, 1-based): chr2:148,469,058, A>G. VCF-style: chr2-148469058-A-G. GRCh37 (hg19) VCF-style: chr2-149226627-A-G.
Other names: c.1115A>G, p.Asn372Ser (NM_018328.5); short protein forms N372S.
Identifiers: ClinVar variation 3007052 (VCV003007052.3), dbSNP rs2469861404, ClinGen allele CA348718410.

ClinVar aggregate classification (germline): Uncertain significance (1 of 4 stars; one submission).

Conditions:
Intellectual developmental disorder, autosomal dominant 1. Also called: MBD5 Haploinsufficiency; Intellectual disability, autosomal dominant 1. Identifiers: Orphanet 228402, MedGen C1969562, MONDO:0007974, OMIM 156200.

gnomAD v4.1: 1 of 1,614,036 alleles (0.000062%); highest among the groups gnomAD compares: Admixed American, 0.0017%; no homozygotes.

Submission:

Labcorp Genetics (formerly Invitae), Labcorp
Classification: Uncertain significance for Intellectual developmental disorder, autosomal dominant 1. Last evaluated: 2025-07-27. Review status: criteria provided, single submitter. Criteria: Invitae Variant Classification Sherloc (09022015). Collection method: clinical testing. Allele origin: germline.
Comment: This sequence change replaces asparagine, which is neutral and polar, with serine, which is neutral and polar, at codon 372 of the MBD5 protein (p.Asn372Ser). This variant is not present in population databases (gnomAD no frequency). This variant has not been reported in the literature in individuals affected with MBD5-related conditions. ClinVar contains an entry for this variant (Variation ID: 3007052). Invitae Evidence Modeling of protein sequence and biophysical properties (such as structural, functional, and spatial information, amino acid conservation, physicochemical variation, residue mobility, and thermodynamic stability) indicates that this missense variant is not expected to disrupt MBD5 protein function with a negative predictive value of 80%. In summary, the available evidence is currently insufficient to determine the role of this variant in disease. Therefore, it has been classified as a Variant of Uncertain Significance.